The following is an entry in ClinVar:

ClinVar aggregate classification (germline): Uncertain significance (1 of 4 stars; one submission).

Conditions:
Hereditary cancer-predisposing syndrome. Also called: Neoplastic Syndromes, Hereditary; Tumor predisposition; Hereditary Cancer Syndrome; Hereditary neoplastic syndrome. Identifiers: Orphanet 140162, MedGen C0027672, MeSH D009386, MONDO:0015356.

Allele frequency attached by ClinVar (database versions not stated): TOPMed below 0.00001.

Submission:

Ambry Genetics
Classification: Uncertain significance for Hereditary cancer-predisposing syndrome. Last evaluated: 2022-07-23. Review status: criteria provided, single submitter. Criteria: Ambry Variant Classification Scheme 2023. Collection method: clinical testing. Allele origin: germline.
Comment: The p.G237R variant (also known as c.709G>C), located in coding exon 5 of the POLD1 gene, results from a G to C substitution at nucleotide position 709. The glycine at codon 237 is replaced by arginine, an amino acid with dissimilar properties. This amino acid position is conserved. In addition, this alteration is predicted to be tolerated by in silico analysis. Since supporting evidence is limited at this time, the clinical significance of this alteration remains unclear.

NM_002691.4(POLD1):c.709G>C (p.Gly237Arg)

Gene: POLD1 (DNA polymerase delta 1, catalytic subunit; plus strand). Cytogenetic location: 19q13.33.
Variant type: single nucleotide variant.
Coding change: c.709G>C on transcript NM_002691.4 (MANE Select); coding-DNA position 709, G replaced by C.
Protein change: p.Gly237Arg; replaces glycine 237 with arginine.
Molecular consequence: missense variant. On other transcripts: non-coding transcript variant (1).
Genome position (GRCh38, 1-based): chr19:50,402,324, G>C. VCF-style: chr19-50402324-G-C. GRCh37 (hg19) VCF-style: chr19-50905581-G-C.
Other names: c.709G>C, p.Gly237Arg (NM_001256849.1, NM_001308632.1); short protein forms G237R.
Identifiers: ClinVar variation 1757146 (VCV001757146.2), dbSNP rs2038679376, ClinGen allele CA406974452.